The following is an entry in ClinVar:

ClinVar aggregate classification (germline): Likely benign (1 of 4 stars; one submission).

Conditions:
Neurofibromatosis, type 1 (NF1). Also called: VON RECKLINGHAUSEN DISEASE; NEUROFIBROMATOSIS, TYPE I, SOMATIC; Peripheral type neurofibromatosis; Neurofibromatosis, type I. Identifiers: Orphanet 636, MedGen C0027831, MONDO:0018975, OMIM 162200. Disease mechanism: loss of function.

Submission:

Myriad Genetics, Inc.
Classification: Likely benign for Neurofibromatosis, type 1. Last evaluated: 2026-05-11. Review status: criteria provided, single submitter. Criteria: Myriad Autosomal Dominant, Autosomal Recessive and X-Linked Classification Criteria (2023). Collection method: clinical testing. Allele origin: unknown.
Comment: This variant is considered likely benign. This variant is intronic and is not expected to impact mRNA splicing.

NM_001042492.3(NF1):c.289-13A>G

Gene: NF1 (neurofibromin 1; plus strand). Cytogenetic location: 17q11.2.
Variant type: single nucleotide variant.
Coding change: c.289-13A>G on transcript NM_001042492.3 (MANE Select); 13 bases into the intron before coding-DNA position 289, A replaced by G.
Molecular consequence: intron variant.
Genome position (GRCh38, 1-based): chr17:31,163,173, A>G. VCF-style: chr17-31163173-A-G. GRCh37 (hg19) VCF-style: chr17-29490191-A-G.
Other names: c.289-13A>G (NM_000267.4, NM_001128147.3).
Identifiers: ClinVar variation 4875979 (VCV004875979.1).